The following is an entry in ClinVar:

ClinVar aggregate classification (germline): Pathogenic. Review status: criteria provided, multiple submitters, no conflicts (2 of 4 stars). 3 submissions from 3 submitters: Pathogenic (3). Last evaluated 2025-12-16.

Conditions:
Niemann-Pick disease, type C1. Also called: NIEMANN-PICK DISEASE, VARIANT TYPE C1; NEUROVISCERAL STORAGE DISEASE WITH VERTICAL SUPRANUCLEAR OPHTHALMOPLEGIA; NIEMANN-PICK DISEASE WITH CHOLESTEROL ESTERIFICATION BLOCK; NIEMANN-PICK DISEASE WITHOUT SPHINGOMYELINASE DEFICIENCY; NIEMANN-PICK DISEASE, CHRONIC NEURONOPATHIC FORM. Identifiers: Orphanet 646, MedGen C3179455, MONDO:0009757, OMIM 257220.

gnomAD v4.1: 5 of 1,614,176 alleles (0.00031%); highest among the groups gnomAD compares: Non-Finnish European, 0.00042%; no homozygotes.

Submissions (3):

Natera, Inc.
Classification: Pathogenic for Niemann-Pick disease type C1. Last evaluated: 2025-12-16. Review status: criteria provided, single submitter. Criteria: Natera Variant Classification Schema (03/2026). Collection method: clinical testing. Allele origin: germline.
Comment: The c.2000C>T variant in NPC1 is a missense variant predicted to cause substitution of serine to leucine at amino acid 667. This variant is rare in the general population with a frequency below the threshold expected for the associated phenotype(s). This variant has been observed in one or more individuals affected with the associated recessive disease, as either homozygous or compound heterozygous with a second variant (PMID: 16143556, 29429782). Additionally, this variant has been observed to segregate in affected family members (PMID: 16143556, 29429782, 32138288). Computational prediction algorithms indicate this variant is likely to affect gene or protein function. Given the available evidence, this variant is classified as Pathogenic.

Foundation for Research in Genetics and Endocrinology, FRIGE's Institute of Human Genetics
Classification: Pathogenic for Niemann-Pick disease, type C1. Last evaluated: 2024-08-24. Review status: criteria provided, single submitter. Criteria: ACMG Guidelines, 2015. Collection method: clinical testing. Allele origin: germline. Inheritance: Autosomal recessive inheritance. Affected: yes. Observed: 1 compound heterozygote.
Comment: A heterozygous variant c.2000C>T in exon 13 of the NPC1 gene that results in the amino acid substitution of Leucine for Serine at codon 667 was detected. The observed variant has not been reported in the 1000 genomes and gnomAD databases. The in silico predictions is damaging by MutationTaster, DANN and FATHMM. In summary, the variant meets our criteria to be classified as pathogenic.

Labcorp Genetics (formerly Invitae), Labcorp
Classification: Pathogenic for Niemann-Pick disease, type C1. Last evaluated: 2021-08-14. Review status: criteria provided, single submitter. Criteria: Invitae Variant Classification Sherloc (09022015). Collection method: clinical testing. Allele origin: germline.
Comment: For these reasons, this variant has been classified as Pathogenic. Studies have shown that this missense change alters NPC1 gene expression (PMID: 16143556). Advanced modeling of protein sequence and biophysical properties (such as structural, functional, and spatial information, amino acid conservation, physicochemical variation, residue mobility, and thermodynamic stability) performed at Invitae indicates that this missense variant is expected to disrupt NPC1 protein function. This missense change has been observed in individual(s) with Niemann-Pick type C (PMID: 16143556). In at least one individual the data is consistent with the variant being in trans (on the opposite chromosome) from a pathogenic variant. It has also been observed to segregate with disease in related individuals. This variant is not present in population databases (ExAC no frequency). This sequence change replaces serine with leucine at codon 667 of the NPC1 protein (p.Ser667Leu). The serine residue is highly conserved and there is a large physicochemical difference between serine and leucine.

Literature cited by the submitters: PubMed 16143556 (cited by Natera, Inc. and Labcorp Genetics (formerly Invitae), Labcorp); PubMed 29429782 (cited by Natera, Inc.); PubMed 32138288 (cited by Natera, Inc.).

NM_000271.5(NPC1):c.2000C>T (p.Ser667Leu)

Gene: NPC1 (NPC intracellular cholesterol transporter 1; minus strand). Cytogenetic location: 18q11.2.
Variant type: single nucleotide variant.
Coding change: c.2000C>T on transcript NM_000271.5 (MANE Select); coding-DNA position 2000, C replaced by T.
Protein change: p.Ser667Leu; replaces serine 667 with leucine.
Molecular consequence: missense variant.
Genome position (GRCh38, 1-based): chr18:23,544,474, G>A on the plus strand (C>T on the coding strand, the complement: NPC1 is on the minus strand). VCF-style: chr18-23544474-G-A. GRCh37 (hg19) VCF-style: chr18-21124438-G-A.
Other names: p.Ser667Leu; c.2000C>T (NM_000271.4); short protein forms S667L.
Identifiers: ClinVar variation 1380508 (VCV001380508.10), dbSNP rs2058756032, ClinGen allele CA401771622.